The following is an entry in ClinVar:

NM_001199397.3(NEK1):c.2699C>A (p.Thr900Lys)

Genes: NEK1 (NIMA related kinase 1; minus strand), LOC129993365 (ATAC-STARR-seq lymphoblastoid silent region 15794; plus strand). Cytogenetic location: 4q33.
Variant type: single nucleotide variant.
Coding change: c.2699C>A on transcript NM_001199397.3 (MANE Select); coding-DNA position 2699, C replaced by A.
Protein change: p.Thr900Lys; replaces threonine 900 with lysine.
Molecular consequence: missense variant. On other transcripts: non-coding transcript variant (1), intron variant (1).
Genome position (GRCh38, 1-based): chr4:169,438,148, G>T on the plus strand (C>A on the coding strand, the complement: NEK1 is on the minus strand). VCF-style: chr4-169438148-G-T. GRCh37 (hg19) VCF-style: chr4-170359299-G-T.
Other names: c.2567C>A, p.Thr856Lys (NM_001199398.3); c.2408C>A, p.Thr803Lys (NM_001199399.3); c.2483C>A, p.Thr828Lys (NM_001199400.3); c.2699C>A, p.Thr900Lys (NM_001374418.1); c.2615C>A, p.Thr872Lys (NM_001374419.1, NM_012224.4); c.2564C>A, p.Thr855Lys (NM_001374420.1); c.2282-4483C>A (NM_001374421.1); short protein forms T856K, T872K, T900K, T803K, T855K, T828K.
Identifiers: ClinVar variation 2696324 (VCV002696324.3), dbSNP rs1195089162, ClinGen allele CA358730624.

ClinVar aggregate classification (germline): Uncertain significance (1 of 4 stars; one submission).

Conditions:
Short-rib thoracic dysplasia 6 with or without polydactyly (SRTD6). Also called: Majewski Syndrome; POLYDACTYLY WITH NEONATAL CHONDRODYSTROPHY, TYPE II; SHORT-RIB THORACIC DYSPLASIA 6 WITH POLYDACTYLY; SHORT-RIB THORACIC DYSPLASIA 6 WITHOUT POLYDACTYLY; SHORT RIB-POLYDACTYLY SYNDROME, TYPE IIA. Identifiers: MedGen C0024507, MONDO:0009894, OMIM 263520.

Allele frequency attached by ClinVar (database versions not stated): gnomAD 0.00001.

Submission:

Labcorp Genetics (formerly Invitae), Labcorp
Classification: Uncertain significance for Short-rib thoracic dysplasia 6 with or without polydactyly. Last evaluated: 2023-11-24. Review status: criteria provided, single submitter. Criteria: Invitae Variant Classification Sherloc (09022015). Collection method: clinical testing. Allele origin: germline.
Comment: This sequence change replaces threonine, which is neutral and polar, with lysine, which is basic and polar, at codon 872 of the NEK1 protein (p.Thr872Lys). This variant is present in population databases (no rsID available, gnomAD 0.06%). This variant has not been reported in the literature in individuals affected with NEK1-related conditions. Advanced modeling of protein sequence and biophysical properties (such as structural, functional, and spatial information, amino acid conservation, physicochemical variation, residue mobility, and thermodynamic stability) performed at Invitae indicates that this missense variant is not expected to disrupt NEK1 protein function with a negative predictive value of 80%. In summary, the available evidence is currently insufficient to determine the role of this variant in disease. Therefore, it has been classified as a Variant of Uncertain Significance.